The following is an entry in ClinVar:

ClinVar aggregate classification (germline): Likely pathogenic (3 of 4 stars; one submission).

Conditions:
Phenylketonuria (PKU). Also called: Phenylketonuria (PKU); FOLLING DISEASE; OLIGOPHRENIA PHENYLPYRUVICA; Phenylketonurias. Identifiers: Orphanet 716, MedGen C0031485, MONDO:0009861, OMIM 261600. Disease mechanism: loss of function.

Submission:

ClinGen PAH Variant Curation Expert Panel
Classification: Likely pathogenic for Phenylketonuria. Last evaluated: 2020-08-07. Review status: reviewed by expert panel. Criteria: ClinGen PAH ACMG Specifications v1. Collection method: curation. Allele origin: germline. Inheritance: Autosomal recessive inheritance.
Comment: The c.680T>A (p.Leu227Gln) variant in PAH has been reported in 1 individual with mild PKU (BH4 deficiency excluded, PMID: 26503515, 19915519). This variant is absent in population databases. This variant was detected in trans with pathogenic variant c.611A>G (aka. EX6-96A>G, PMID:30050108). Computational evidence supports a deleterious effect. In summary, this variant meets criteria to be classified as likely pathogenic for PAH. PAH-specific ACMG/AMP criteria applied: PP4_Moderate, PM2, PM3, PP3.

Literature cited by the submitters: PubMed 19915519; PubMed 26503515.

NM_000277.3(PAH):c.680T>A (p.Leu227Gln)

Gene: PAH (phenylalanine hydroxylase; minus strand). Cytogenetic location: 12q23.2.
Variant type: single nucleotide variant.
Coding change: c.680T>A on transcript NM_000277.3 (MANE Select); coding-DNA position 680, T replaced by A.
Protein change: p.Leu227Gln; replaces leucine 227 with glutamine.
Molecular consequence: missense variant.
Genome position (GRCh38, 1-based): chr12:102,855,162, A>T on the plus strand (T>A on the coding strand, the complement: PAH is on the minus strand). VCF-style: chr12-102855162-A-T. GRCh37 (hg19) VCF-style: chr12-103248940-A-T.
Other names: NM_000277.1:c.680T>A; c.680T>A, p.Leu227Gln (NM_001354304.2); short protein forms L227Q.
Identifiers: ClinVar variation 1327559 (VCV001327559.1), dbSNP rs2136649239, ClinGen allele CA16020837.